The following is an entry in ClinVar:

ClinVar aggregate classification (germline): Uncertain significance (1 of 4 stars; one submission).

Conditions:
Renal cell carcinoma. Identifiers: Orphanet 217071, MedGen C0007134, MeSH D002292, MONDO:0005086, HP:0005584.

gnomAD v4.1: 1 of 1,613,962 alleles (0.000062%); highest among the groups gnomAD compares: Non-Finnish European, 0.000085%; no homozygotes.

Submission:

Labcorp Genetics (formerly Invitae), Labcorp
Classification: Uncertain significance for Renal cell carcinoma. Last evaluated: 2023-08-10. Review status: criteria provided, single submitter. Criteria: Invitae Variant Classification Sherloc (09022015). Collection method: clinical testing. Allele origin: germline.
Comment: An algorithm developed to predict the effect of missense changes on protein structure and function (PolyPhen-2) suggests that this variant is likely to be disruptive. In summary, the available evidence is currently insufficient to determine the role of this variant in disease. Therefore, it has been classified as a Variant of Uncertain Significance. ClinVar contains an entry for this variant (Variation ID: 2186136). This variant has not been reported in the literature in individuals affected with MET-related conditions. This variant is not present in population databases (gnomAD no frequency). This sequence change replaces valine, which is neutral and non-polar, with leucine, which is neutral and non-polar, at codon 854 of the MET protein (p.Val854Leu).

NM_000245.4(MET):c.2506G>T (p.Val836Leu)

Gene: MET (MET proto-oncogene, receptor tyrosine kinase; plus strand). Cytogenetic location: 7q31.2.
Variant type: single nucleotide variant.
Coding change: c.2506G>T on transcript NM_000245.4 (MANE Select); coding-DNA position 2506, G replaced by T.
Protein change: p.Val836Leu; replaces valine 836 with leucine.
Molecular consequence: missense variant.
Genome position (GRCh38, 1-based): chr7:116,763,191, G>T. VCF-style: chr7-116763191-G-T. GRCh37 (hg19) VCF-style: chr7-116403245-G-T.
Other names: c.2560G>T, p.Val854Leu (NM_001127500.3); c.2506G>T, p.Val836Leu (NM_001324401.3); c.1216G>T, p.Val406Leu (NM_001324402.2); short protein forms V406L, V836L, V854L.
Identifiers: ClinVar variation 2186136 (VCV002186136.4), dbSNP rs372699296, ClinGen allele CA368983461.